The following is an entry in ClinVar:

ClinVar aggregate classification (germline): Uncertain significance. Review status: criteria provided, multiple submitters, no conflicts (2 of 4 stars). 3 submissions from 3 submitters: Uncertain significance (3). Last evaluated 2024-09-22.

Conditions:
Inborn genetic diseases. Identifiers: MedGen C0950123, MeSH D030342.

Allele frequency attached by ClinVar (database versions not stated): ExAC 0.00001; gnomAD 0.00002; gnomAD exomes 0.00003; TOPMed 0.00004; ESP Exome Variant Server 0.00008.
gnomAD v4.1: 44 of 1,597,566 alleles (0.0028%); highest among the groups gnomAD compares: Non-Finnish European, 0.0033%; no homozygotes.

Submissions (3):

Labcorp Genetics (formerly Invitae), Labcorp
Classification: Uncertain significance. Last evaluated: 2024-09-22. Review status: criteria provided, single submitter. Criteria: Invitae Variant Classification Sherloc (09022015). Collection method: clinical testing. Allele origin: germline.
Comment: This sequence change replaces methionine, which is neutral and non-polar, with valine, which is neutral and non-polar, at codon 599 of the BCL11B protein (p.Met599Val). This variant is present in population databases (rs374549866, gnomAD 0.004%). This variant has not been reported in the literature in individuals affected with BCL11B-related conditions. Invitae Evidence Modeling of protein sequence and biophysical properties (such as structural, functional, and spatial information, amino acid conservation, physicochemical variation, residue mobility, and thermodynamic stability) indicates that this missense variant is not expected to disrupt BCL11B protein function with a negative predictive value of 80%. In summary, the available evidence is currently insufficient to determine the role of this variant in disease. Therefore, it has been classified as a Variant of Uncertain Significance.

Women's Health and Genetics/Laboratory Corporation of America, LabCorp
Classification: Uncertain significance. Last evaluated: 2024-07-31. Review status: criteria provided, single submitter. Criteria: LabCorp Variant Classification Summary - May 2015. Collection method: clinical testing. Allele origin: germline.
Comment: Variant summary: BCL11B c.1795A>G (p.Met599Val) results in a conservative amino acid change in the encoded protein sequence. Three of five in-silico tools predict a benign effect of the variant on protein function. The variant allele was found at a frequency of 1.8e-05 in 227362 control chromosomes (gnomAD). The available data on variant occurrences in the general population are insufficient to allow any conclusion about variant significance. To our knowledge, no occurrence of c.1795A>G in individuals affected with BCL11B-Related Disorders and no experimental evidence demonstrating its impact on protein function have been reported. ClinVar contains an entry for this variant (Variation ID: 2906714). Based on the evidence outlined above, the variant was classified as uncertain significance.

Ambry Genetics
Classification: Uncertain significance for Inborn genetic diseases. Last evaluated: 2024-02-05. Review status: criteria provided, single submitter. Criteria: Ambry Variant Classification Scheme 2023. Collection method: clinical testing. Allele origin: germline.

NM_138576.4(BCL11B):c.1795A>G (p.Met599Val)

Gene: BCL11B (BCL11 transcription factor B; minus strand). Cytogenetic location: 14q32.2.
Variant type: single nucleotide variant.
Coding change: c.1795A>G on transcript NM_138576.4 (MANE Select); coding-DNA position 1795, A replaced by G.
Protein change: p.Met599Val; replaces methionine 599 with valine.
Molecular consequence: missense variant.
Genome position (GRCh38, 1-based): chr14:99,175,041, T>C on the plus strand (A>G on the coding strand, the complement: BCL11B is on the minus strand). VCF-style: chr14-99175041-T-C. GRCh37 (hg19) VCF-style: chr14-99641378-T-C.
Other names: c.1792A>G, p.Met598Val (NM_001282237.2); c.1579A>G, p.Met527Val (NM_001282238.2); c.1582A>G, p.Met528Val (NM_022898.3); c.1795A>G (NM_138576.2); short protein forms M598V, M528V, M527V, M599V.
Identifiers: ClinVar variation 2906714 (VCV002906714.5), dbSNP rs374549866, ClinGen allele CA7339598.